The following is an entry in ClinVar:

NM_001127208.3(TET2):c.1433A>C (p.Glu478Ala)

Genes: TET2 (tet methylcytosine dioxygenase 2; plus strand), TET2-AS1 (TET2 antisense RNA 1; minus strand). Cytogenetic location: 4q24.
Variant type: single nucleotide variant.
Coding change: c.1433A>C on transcript NM_001127208.3 (MANE Select); coding-DNA position 1433, A replaced by C.
Protein change: p.Glu478Ala; replaces glutamic acid 478 with alanine.
Molecular consequence: missense variant.
Genome position (GRCh38, 1-based): chr4:105,235,375, A>C. VCF-style: chr4-105235375-A-C. GRCh37 (hg19) VCF-style: chr4-106156532-A-C.
Other names: c.1433A>C, p.Glu478Ala (NM_017628.4); short protein forms E478A.
Identifiers: ClinVar variation 3967644 (VCV003967644.1).

ClinVar aggregate classification (germline): Uncertain significance (1 of 4 stars; one submission).

gnomAD v4.1: 2 of 1,614,178 alleles (0.00012%); highest among the groups gnomAD compares: Admixed American, 0.0017%; no homozygotes.

Submission:

Ambry Genetics
Classification: Uncertain significance. Last evaluated: 2025-05-18. Review status: criteria provided, single submitter. Criteria: Ambry Variant Classification Scheme 2023. Collection method: clinical testing. Allele origin: germline.
Comment: The p.E478A variant (also known as c.1433A>C), located in coding exon 1 of the TET2 gene, results from an A to C substitution at nucleotide position 1433. The glutamic acid at codon 478 is replaced by alanine, an amino acid with dissimilar properties. This amino acid position is conserved. In addition, this alteration is predicted to be tolerated by in silico analysis. Based on the available evidence, the clinical significance of this variant remains unclear.